The following is an entry in ClinVar:

ClinVar aggregate classification (germline): Benign/Likely benign. Review status: criteria provided, multiple submitters, no conflicts (2 of 4 stars). 12 submissions from 12 submitters: Benign (9); Likely benign (1). 2 of the submissions do not count toward it. Last evaluated 2026-02-04.

Conditions:
CFTR-related disorder (CFTR-RD). Also called: CFTR-related disorders; CFTR-related condition. Identifiers: MedGen C5924204, MONDO:7770004.
Hereditary pancreatitis (PCTT). Also called: PRSS1-Related Hereditary Pancreatitis; Hereditary chronic pancreatitis. Identifiers: Orphanet 676, MedGen C0238339, MONDO:0008185, OMIM 167800.
Cystic fibrosis (CF). Also called: MUCOVISCIDOSIS. Identifiers: Orphanet 586, MedGen C0010674, MONDO:0009061, OMIM 219700. Disease mechanism: loss of function.

Allele frequency attached by ClinVar (database versions not stated): gnomAD 0.00005 and 0.00070; ESP Exome Variant Server 0.00008; TOPMed 0.00012; gnomAD exomes 0.00077 and 0.00148; ExAC 0.00188; 1000 Genomes Project 0.00759; 1000 Genomes Project 30x 0.00765.
gnomAD v4.1: 1,233 of 1,612,424 alleles (0.076%); highest among the groups gnomAD compares: South Asian, 1.3%; 24 homozygotes.

Submissions (12):

Labcorp Genetics (formerly Invitae), Labcorp
Classification: Benign for Cystic fibrosis. Last evaluated: 2026-02-04. Review status: criteria provided, single submitter. Criteria: Invitae Variant Classification Sherloc (09022015). Collection method: clinical testing. Allele origin: germline.

CeGaT Center for Human Genetics Tuebingen
Classification: Benign. Last evaluated: 2026-02-01. Review status: criteria provided, single submitter. Criteria: CeGaT Center For Human Genetics Tuebingen Variant Classification Criteria Version 2. Collection method: clinical testing. Allele origin: germline. Affected: yes. Observed: 1 variant allele.
Comment: CFTR: BS1, BS2

ARUP Laboratories, Molecular Genetics and Genomics, ARUP Laboratories
Classification: Benign. Last evaluated: 2025-06-13. Review status: criteria provided, single submitter. Criteria: ARUP Molecular Germline Variant Investigation Process 2024. Collection method: clinical testing. Allele origin: germline.

Women's Health and Genetics/Laboratory Corporation of America, LabCorp
Classification: Benign. Last evaluated: 2025-02-27. Review status: criteria provided, single submitter. Criteria: LabCorp Variant Classification Summary - May 2015. Collection method: clinical testing. Allele origin: germline.
Comment: Variant summary: CFTR c.3469-20T>C alters a nucleotide located at a position not widely known to affect splicing. Consensus agreement among computation tools predict no significant impact on normal splicing. However, these predictions have yet to be confirmed by functional studies. The variant allele was found at a frequency of 0.00076 in 1613062 control chromosomes, predominantly at a frequency of 0.013 within the South Asian subpopulation in the gnomAD database (v4.1 dataset), including 23 homozygotes. This subpopulation frequency is approximately equal to the maximum estimated pathogenic allele frequency for a pathogenic variant in CFTR causing Cystic Fibrosis (0.013 vs 0.013), suggesting this is likely a benign polymorphism found primarily in the populations of South Asian origin. The variant, c.3469-20T>C, has been reported in the literature in individuals affected with Cystic Fibrosis and idiopathic chronic pancreatitis, without strong evidence for causality (e.g. Kabra_2000, Midha_2010, Steiner_2011, Claustres_2017). These report(s) do not provide unequivocal conclusions about association of the variant with Cystic Fibrosis. To our knowledge, no experimental evidence demonstrating an impact on protein function has been reported. The following publications have been ascertained in the context of this evaluation (PMID: 17968991, 21520337, 25651269, 25880441, 28603918, 20551465). ClinVar contains an entry for this variant (Variation ID: 7228). Based on the evidence outlined above, the variant was classified as benign.

Quest Diagnostics Nichols Institute San Juan Capistrano
Classification: Likely benign. Last evaluated: 2025-02-17. Review status: criteria provided, single submitter. Criteria: Quest Diagnostics criteria. Collection method: clinical testing. Allele origin: unknown.

Mendelics
Classification: Benign for Cystic fibrosis. Last evaluated: 2023-08-22. Review status: criteria provided, single submitter. Criteria: Mendelics Assertion Criteria 2019. Collection method: clinical testing. Allele origin: germline.

Sema4
Classification: Benign for Hereditary pancreatitis. Last evaluated: 2021-03-01. Review status: criteria provided, single submitter. Criteria: Sema4 Curation Guidelines. Collection method: curation. Allele origin: germline.

Eurofins Ntd Llc (ga)
Classification: Benign. Last evaluated: 2017-06-22. Review status: criteria provided, single submitter. Criteria: EGL Classification Definitions 2015. Collection method: clinical testing. Allele origin: germline. Observed: 1 variant allele, 1 heterozygote.

Ambry Genetics
Classification: Benign for Cystic fibrosis. Last evaluated: 2015-12-13. Review status: criteria provided, single submitter. Criteria: Ambry Variant Classification Scheme 2023. Collection method: clinical testing. Allele origin: germline.

Broad Center for Mendelian Genomics, Broad Institute of MIT and Harvard
Classification: Benign for Cystic fibrosis. Review status: criteria provided, single submitter. Criteria: ACMG Guidelines, 2015. Collection method: research. Allele origin: germline. Inheritance: Autosomal recessive inheritance. Affected: yes.
Comment: The heterozygous c.3469-20T>C variant in CFTR has been reported in at least 3 individuals with cystic fibrosis without another variant identified in the gene (PMID: 10869121, 20551465, 21520337), and has been identified in >1% of South Asian chromosomes and 7 homozygotes by ExAC. In summary, this variant meets criteria to be classified as benign for autosomal recessive cystic fibrosis.

PreventionGenetics, part of Exact Sciences
Classification: Benign for CFTR-related condition. Last evaluated: 2024-09-03. Review status: no assertion criteria provided. Collection method: clinical testing. Allele origin: germline. Not counted in ClinVar's aggregate classification.
Comment: This variant is classified as benign based on ACMG/AMP sequence variant interpretation guidelines (Richards et al. 2015 PMID: 25741868, with internal and published modifications).

OMIM
Classification: Pathogenic for CYSTIC FIBROSIS. Last evaluated: 2000-07-17. Review status: no assertion criteria provided. Collection method: literature only. Allele origin: germline. Not counted in ClinVar's aggregate classification.

Literature cited by the submitters: PubMed 17968991 (cited by Women's Health and Genetics/Laboratory Corporation of America, LabCorp); PubMed 21520337 (cited by 3 submitters); PubMed 25651269 (cited by Women's Health and Genetics/Laboratory Corporation of America, LabCorp and Quest Diagnostics Nichols Institute San Juan Capistrano); PubMed 25880441 (cited by Women's Health and Genetics/Laboratory Corporation of America, LabCorp); PubMed 28603918 (cited by Women's Health and Genetics/Laboratory Corporation of America, LabCorp and Quest Diagnostics Nichols Institute San Juan Capistrano); PubMed 20551465 (cited by 3 submitters); PubMed 27535533 (cited by Quest Diagnostics Nichols Institute San Juan Capistrano); PubMed 10869121 (cited by 4 submitters); PubMed 32662942 (cited by Quest Diagnostics Nichols Institute San Juan Capistrano).

NM_000492.4(CFTR):c.3469-20T>C

Genes: CFTR (CF transmembrane conductance regulator; plus strand), CFTR-AS2 (CFTR antisense RNA 2; minus strand). Cytogenetic location: 7q31.2.
Variant type: single nucleotide variant.
Coding change: c.3469-20T>C on transcript NM_000492.4 (MANE Select); 20 bases into the intron before coding-DNA position 3469, T replaced by C.
Molecular consequence: intron variant.
Genome position (GRCh38, 1-based): chr7:117,627,502, T>C. VCF-style: chr7-117627502-T-C. GRCh37 (hg19) VCF-style: chr7-117267556-T-C.
Other names: 3601, T-C, -20.
Identifiers: ClinVar variation 7228 (VCV000007228.41), dbSNP rs373002889, ClinGen allele CA325609.